The following is an entry in ClinVar:

ClinVar aggregate classification (germline): Pathogenic (1 of 4 stars; one submission).

Conditions:
Charcot-Marie-Tooth disease, type I (CMT1). Also called: Charcot-Marie-Tooth disease type 1; Charcot-Marie-Tooth, Type 1. Identifiers: Orphanet 65753, MedGen C0751036, MONDO:0019011.

Submission:

Labcorp Genetics (formerly Invitae), Labcorp
Classification: Pathogenic for Charcot-Marie-Tooth disease, type I. Last evaluated: 2019-06-29. Review status: criteria provided, single submitter. Criteria: Invitae Variant Classification Sherloc (09022015). Collection method: clinical testing. Allele origin: germline.
Comment: For these reasons, this variant has been classified as Pathogenic. Loss-of-function variants in MPZ are known to be pathogenic (PMID: 14711881). This variant has not been reported in the literature in individuals with MPZ-related conditions. This variant is not present in population databases (ExAC no frequency). This sequence change creates a premature translational stop signal (p.Ser7*) in the MPZ gene. It is expected to result in an absent or disrupted protein product.

Literature cited by the submitters: PubMed 14711881.

NM_000530.8(MPZ):c.20C>G (p.Ser7Ter)

Gene: MPZ (myelin protein zero; minus strand). Cytogenetic location: 1q23.3.
Variant type: single nucleotide variant.
Coding change: c.20C>G on transcript NM_000530.8 (MANE Select); coding-DNA position 20, C replaced by G.
Protein change: p.Ser7Ter; replaces serine 7 with a stop codon.
Molecular consequence: nonsense.
Genome position (GRCh38, 1-based): chr1:161,309,886, G>C on the plus strand (C>G on the coding strand, the complement: MPZ is on the minus strand). VCF-style: chr1-161309886-G-C. GRCh37 (hg19) VCF-style: chr1-161279676-G-C.
Other names: c.20C>G, p.Ser7Ter (NM_001315491.2); short protein forms S7*.
Identifiers: ClinVar variation 940939 (VCV000940939.7), dbSNP rs1558155838, ClinGen allele CA343353207.